The following is an entry in ClinVar:

NM_001377.3(DYNC2H1):c.10433C>A (p.Ser3478Tyr)

Gene: DYNC2H1 (dynein cytoplasmic 2 heavy chain 1; plus strand). Cytogenetic location: 11q22.3.
Variant type: single nucleotide variant.
Coding change: c.10433C>A on transcript NM_001377.3 (MANE Select); coding-DNA position 10433, C replaced by A.
Protein change: p.Ser3478Tyr; replaces serine 3478 with tyrosine.
Molecular consequence: missense variant.
Genome position (GRCh38, 1-based): chr11:103,256,212, C>A. VCF-style: chr11-103256212-C-A. GRCh37 (hg19) VCF-style: chr11-103126941-C-A.
Other names: c.10454C>A, p.Ser3485Tyr (NM_001080463.2); short protein forms S3485Y, S3478Y.
Identifiers: ClinVar variation 939916 (VCV000939916.7), dbSNP rs372499560, ClinGen allele CA6254968.

ClinVar aggregate classification (germline): Uncertain significance. Review status: criteria provided, multiple submitters, no conflicts (2 of 4 stars). 2 submissions from 2 submitters: Uncertain significance (2). Last evaluated 2024-10-14.

Conditions:
Jeune thoracic dystrophy. Also called: Short-rib thoracic dysplasia; Infantile thoracic dystrophy; Thoracic pelvic phalangeal dystrophy; Jeune's syndrome; Chondroectodermal dysplasia-like syndrome; Jeune syndrome. Identifiers: Orphanet 474, MedGen C0265275, MONDO:0018770.

Allele frequency attached by ClinVar (database versions not stated): TOPMed 0.00002; gnomAD 0.00003 and 0.00004; ESP Exome Variant Server 0.00009; 1000 Genomes Project 30x 0.00016; 1000 Genomes Project 0.00020.
gnomAD v4.1: 52 of 1,602,954 alleles (0.0032%); highest among the groups gnomAD compares: East Asian, 0.009%; no homozygotes.

Submissions (2):

Blueprint Genetics
Classification: Uncertain significance. Last evaluated: 2024-10-14. Review status: criteria provided, single submitter. Criteria: ACMG Guidelines, 2015. Collection method: clinical testing. Allele origin: germline.

Labcorp Genetics (formerly Invitae), Labcorp
Classification: Uncertain significance for Jeune thoracic dystrophy. Last evaluated: 2022-04-13. Review status: criteria provided, single submitter. Criteria: Invitae Variant Classification Sherloc (09022015). Collection method: clinical testing. Allele origin: germline.
Comment: This sequence change replaces serine, which is neutral and polar, with tyrosine, which is neutral and polar, at codon 3485 of the DYNC2H1 protein (p.Ser3485Tyr). This variant is present in population databases (rs372499560, gnomAD 0.01%). This variant has not been reported in the literature in individuals affected with DYNC2H1-related conditions. ClinVar contains an entry for this variant (Variation ID: 939916). Advanced modeling of protein sequence and biophysical properties (such as structural, functional, and spatial information, amino acid conservation, physicochemical variation, residue mobility, and thermodynamic stability) performed at Invitae indicates that this missense variant is not expected to disrupt DYNC2H1 protein function. In summary, the available evidence is currently insufficient to determine the role of this variant in disease. Therefore, it has been classified as a Variant of Uncertain Significance.